The following is an entry in ClinVar:

NM_000069.3(CACNA1S):c.1582C>A (p.Arg528Ser)

Gene: CACNA1S (calcium voltage-gated channel subunit alpha1 S; minus strand). Cytogenetic location: 1q32.1.
Variant type: single nucleotide variant.
Coding change: c.1582C>A on transcript NM_000069.3 (MANE Select); coding-DNA position 1582, C replaced by A.
Protein change: p.Arg528Ser; replaces arginine 528 with serine.
Molecular consequence: missense variant.
Genome position (GRCh38, 1-based): chr1:201,077,916, G>T on the plus strand (C>A on the coding strand, the complement: CACNA1S is on the minus strand). VCF-style: chr1-201077916-G-T. GRCh37 (hg19) VCF-style: chr1-201047044-G-T.
Other names: short protein forms R528S.
Identifiers: ClinVar variation 4689585 (VCV004689585.1).
Genomic context (GRCh38, chr1:201,077,916, plus strand): 5'-TGCCAGCCGACCCCGGCACTCACTTGGTGATCTTGAAGATCCTCAGGAGGCGGATGCAGC[G>T]GAGCACGGAGATGCCCAGGGGTGTCATGGCACCCGACTCCACCAGCAGGATCTCCAGGAT-3'
Protein context (NP_000060.2, residues 518-538): AMTPLGISVL[Arg528Ser]CIRLLRIFKI

ClinVar aggregate classification (germline): Uncertain significance (1 of 4 stars; one submission).

Submission:

Women's Health and Genetics/Laboratory Corporation of America, LabCorp
Classification: Uncertain significance. Last evaluated: 2026-01-06. Review status: criteria provided, single submitter. Criteria: LabCorp Variant Classification Summary - May 2015. Collection method: clinical testing. Allele origin: germline.
Comment: Variant summary: CACNA1S c.1582C>A (p.Arg528Ser) results in a non-conservative amino acid change in the encoded protein sequence. Algorithms developed to predict the effect of missense changes on protein structure and function all suggest that this variant is likely to be disruptive. The variant was absent in 251160 control chromosomes. To our knowledge, no occurrence of c.1582C>A in individuals affected with CACNA1S-related conditions and no experimental evidence demonstrating its impact on protein function have been reported. Other variant(s) that disrupt this residue have been determined to be pathogenic (examples: p.Arg528His/Cys/Leu ). No submitters have cited clinical-significance assessments for this variant to ClinVar. Based on the evidence outlined above, the variant was classified as VUS-possibly pathogenic.